The following is an entry in ClinVar:

NC_000022.10:g.(?_51063573)_(51064511_?)del

Gene: ARSA (arylsulfatase A; minus strand). Cytogenetic location: 22q13.33.
Variant type: Deletion.
Identifiers: ClinVar variation 2423148 (VCV002423148.4).

ClinVar aggregate classification (germline): Pathogenic (1 of 4 stars; one submission).

Conditions:
Metachromatic leukodystrophy (MLD). Also called: Cerebral sclerosis diffuse metachromatic form; ARSA DEFICIENCY; CEREBROSIDE SULFATASE DEFICIENCY; METACHROMATIC LEUKOENCEPHALOPATHY; Arylsulfatase A Deficiency; SULFATIDE LIPIDOSIS. Identifiers: Orphanet 512, MedGen C0023522, MONDO:0018868, OMIM 250100.

Submission:

Labcorp Genetics (formerly Invitae), Labcorp
Classification: Pathogenic for Metachromatic leukodystrophy. Last evaluated: 2022-08-21. Review status: criteria provided, single submitter. Criteria: Invitae Variant Classification Sherloc (09022015). Collection method: clinical testing. Allele origin: germline.
Comment: This variant has not been reported in the literature in individuals affected with ARSA-related conditions. For these reasons, this variant has been classified as Pathogenic. This variant disrupts a region of the ARSA protein in which other variant(s) (p.Cys491Gly) have been determined to be pathogenic (PMID: 15026521). This suggests that this is a clinically significant region of the protein, and that variants that disrupt it are likely to be disease-causing. This variant is a gross deletion of the genomic region encompassing exon(s) 6-8 of the ARSA gene, which includes the termination codon. This deletion extends beyond the assayed region for this gene and therefore may encompass additional genes. While this deletion is not anticipated to lead to nonsense mediated decay, it is expected to alter mRNA translation or result in a truncated protein product.

Literature cited by the submitters: PubMed 15026521.